The following is an entry in ClinVar:

NM_001846.4(COL4A2):c.4678C>T (p.Arg1560Trp)

Genes: COL4A2 (collagen type IV alpha 2 chain; plus strand), COL4A2-AS1 (COL4A2 antisense RNA 1; minus strand). Cytogenetic location: 13q34.
Variant type: single nucleotide variant.
Coding change: c.4678C>T on transcript NM_001846.4 (MANE Select); coding-DNA position 4678, C replaced by T.
Protein change: p.Arg1560Trp; replaces arginine 1560 with tryptophan.
Molecular consequence: missense variant.
Genome position (GRCh38, 1-based): chr13:110,508,018, C>T. VCF-style: chr13-110508018-C-T. GRCh37 (hg19) VCF-style: chr13-111160365-C-T.
Other names: short protein forms R1560W.
Identifiers: ClinVar variation 432593 (VCV000432593.8), dbSNP rs1353098387, ClinGen allele CA388741381.

ClinVar aggregate classification (germline): Uncertain significance. Review status: criteria provided, multiple submitters, no conflicts (2 of 4 stars). 3 submissions from 3 submitters: Uncertain significance (3). Last evaluated 2026-01-05.

Allele frequency attached by ClinVar (database versions not stated): gnomAD exomes 0.00001; gnomAD 0.00003; TOPMed 0.00003.
gnomAD v4.1: 17 of 1,614,088 alleles (0.0011%); highest among the groups gnomAD compares: African/African-American, 0.004%; no homozygotes.

Submissions (3):

Labcorp Genetics (formerly Invitae), Labcorp
Classification: Uncertain significance. Last evaluated: 2026-01-05. Review status: criteria provided, single submitter. Criteria: Invitae Variant Classification Sherloc (09022015). Collection method: clinical testing. Allele origin: germline.
Comment: This sequence change replaces arginine, which is basic and polar, with tryptophan, which is neutral and slightly polar, at codon 1560 of the COL4A2 protein (p.Arg1560Trp). This variant is present in population databases (no rsID available, gnomAD 0.004%). This variant has not been reported in the literature in individuals affected with COL4A2-related conditions. ClinVar contains an entry for this variant (Variation ID: 432593). Invitae Evidence Modeling of protein sequence and biophysical properties (such as structural, functional, and spatial information, amino acid conservation, physicochemical variation, residue mobility, and thermodynamic stability) has been performed for this missense variant. However, the output from this modeling did not meet the statistical confidence thresholds required to predict the impact of this variant on COL4A2 protein function. In summary, the available evidence is currently insufficient to determine the role of this variant in disease. Therefore, it has been classified as a Variant of Uncertain Significance.

GeneDx
Classification: Uncertain significance. Last evaluated: 2023-07-27. Review status: criteria provided, single submitter. Criteria: GeneDx Variant Classification Process June 2021. Collection method: clinical testing. Allele origin: germline. Affected: yes.
Comment: In silico analysis supports that this missense variant has a deleterious effect on protein structure/function; Has not been previously published as pathogenic or benign to our knowledge

Blueprint Genetics
Classification: Uncertain significance. Last evaluated: 2020-10-07. Review status: criteria provided, single submitter. Criteria: ACMG Guidelines, 2015. Collection method: clinical testing. Allele origin: germline.